The following is an entry in ClinVar:

NM_000081.4(LYST):c.9823A>G (p.Thr3275Ala)

Gene: LYST (lysosomal trafficking regulator; minus strand). Cytogenetic location: 1q42.3.
Variant type: single nucleotide variant.
Coding change: c.9823A>G on transcript NM_000081.4 (MANE Select); coding-DNA position 9823, A replaced by G.
Protein change: p.Thr3275Ala; replaces threonine 3275 with alanine.
Molecular consequence: missense variant.
Genome position (GRCh38, 1-based): chr1:235,712,159, T>C on the plus strand (A>G on the coding strand, the complement: LYST is on the minus strand). VCF-style: chr1-235712159-T-C. GRCh37 (hg19) VCF-style: chr1-235875459-T-C.
Other names: c.9823A>G, p.Thr3275Ala (NM_001301365.1); short protein forms T3275A.
Identifiers: ClinVar variation 645862 (VCV000645862.1), dbSNP rs2527381310, ClinGen allele CA344937797.
Genomic context (GRCh38, chr1:235,712,159, plus strand): 5'-GGATAAGTTCTTTCACATCAGTCATAGATTCAAAAGATGAGAGTCGCCAAGTTGTATTTG[T>C]AGAATGAAAAGTTCTGTCTGGAATGTCAAAACTTTGATCTATAAAAAAATACAAATAATA-3'
Protein context (NP_000072.2, residues 3265-3285): FDIPDRTFHS[Thr3275Ala]NTTWRLSSFE

ClinVar aggregate classification (germline): Uncertain significance (1 of 4 stars; one submission).

Conditions:
Chédiak-Higashi syndrome (CHS). Also called: Chediak-Higashi Syndrome. Identifiers: Orphanet 167, MedGen C0007965, MONDO:0008963, OMIM 214500.

Allele frequency attached by ClinVar (database versions not stated): gnomAD exomes below 0.00001.
gnomAD v4.1: 1 of 1,585,068 alleles (0.000063%); highest among the groups gnomAD compares: Non-Finnish European, 0.000086%; no homozygotes.

Submission:

Labcorp Genetics (formerly Invitae), Labcorp
Classification: Uncertain significance for ChÃ©diak-Higashi syndrome. Last evaluated: 2018-08-29. Review status: criteria provided, single submitter. Criteria: Invitae Variant Classification Sherloc (09022015). Collection method: clinical testing. Allele origin: germline.
Comment: This sequence change replaces threonine with alanine at codon 3275 of the LYST protein (p.Thr3275Ala). The threonine residue is weakly conserved and there is a small physicochemical difference between threonine and alanine. This variant is not present in population databases (ExAC no frequency). This variant has not been reported in the literature in individuals with LYST-related disease. Algorithms developed to predict the effect of missense changes on protein structure and function are either unavailable or do not agree on the potential impact of this missense change (SIFT: "Tolerated"; PolyPhen-2: "Probably Damaging"; Align-GVGD: "Class C0"). In summary, the available evidence is currently insufficient to determine the role of this variant in disease. Therefore, it has been classified as a Variant of Uncertain Significance.